The following is an entry in ClinVar:

NM_005732.4(RAD50):c.597A>C (p.Gln199His)

Gene: RAD50 (RAD50 double strand break repair protein; plus strand). Cytogenetic location: 5q31.1.
Variant type: single nucleotide variant.
Coding change: c.597A>C on transcript NM_005732.4 (MANE Select); coding-DNA position 597, A replaced by C.
Protein change: p.Gln199His; replaces glutamine 199 with histidine.
Molecular consequence: missense variant.
Genome position (GRCh38, 1-based): chr5:132,579,907, A>C. VCF-style: chr5-132579907-A-C. GRCh37 (hg19) VCF-style: chr5-131915599-A-C.
Other names: short protein forms Q199H.
Identifiers: ClinVar variation 408380 (VCV000408380.15), dbSNP rs762562316, ClinGen allele CA3405004.

ClinVar aggregate classification (germline): Uncertain significance. Review status: criteria provided, multiple submitters, no conflicts (2 of 4 stars). 2 submissions from 2 submitters: Uncertain significance (2). Last evaluated 2024-12-03.

Conditions:
Hereditary cancer-predisposing syndrome. Also called: Hereditary Cancer Syndrome; Hereditary neoplastic syndrome; Neoplastic Syndromes, Hereditary; Tumor predisposition. Identifiers: Orphanet 140162, MedGen C0027672, MeSH D009386, MONDO:0015356.

Allele frequency attached by ClinVar (database versions not stated): ExAC 0.00001; TOPMed 0.00001.
gnomAD v4.1: 1 of 1,612,962 alleles (0.000062%); highest among the groups gnomAD compares: East Asian, 0.0022%; no homozygotes.

Submissions (2):

Ambry Genetics
Classification: Uncertain significance for Hereditary cancer-predisposing syndrome. Last evaluated: 2024-12-03. Review status: criteria provided, single submitter. Criteria: Ambry Variant Classification Scheme 2023. Collection method: clinical testing. Allele origin: germline.
Comment: The p.Q199H variant (also known as c.597A>C), located in coding exon 5 of the RAD50 gene, results from an A to C substitution at nucleotide position 597. The glutamine at codon 199 is replaced by histidine, an amino acid with highly similar properties. This amino acid position is well conserved in available vertebrate species. In addition, this alteration is predicted to be tolerated by in silico analysis. Since supporting evidence is limited at this time, the clinical significance of this alteration remains unclear.

Labcorp Genetics (formerly Invitae), Labcorp
Classification: Uncertain significance for Hereditary cancer-predisposing syndrome. Last evaluated: 2023-09-06. Review status: criteria provided, single submitter. Criteria: Invitae Variant Classification Sherloc (09022015). Collection method: clinical testing. Allele origin: germline.
Comment: This sequence change replaces glutamine, which is neutral and polar, with histidine, which is basic and polar, at codon 199 of the RAD50 protein (p.Gln199His). This variant is present in population databases (rs762562316, gnomAD 0.006%). This missense change has been observed in individual(s) with breast cancer (PMID: 24894818). ClinVar contains an entry for this variant (Variation ID: 408380). Advanced modeling of protein sequence and biophysical properties (such as structural, functional, and spatial information, amino acid conservation, physicochemical variation, residue mobility, and thermodynamic stability) performed at Invitae indicates that this missense variant is expected to disrupt RAD50 protein function. In summary, the available evidence is currently insufficient to determine the role of this variant in disease. Therefore, it has been classified as a Variant of Uncertain Significance.

Literature cited by the submitters: PubMed 24894818 (cited by Ambry Genetics and Labcorp Genetics (formerly Invitae), Labcorp).